The following is an entry in ClinVar:

NM_019109.5(ALG1):c.1060C>T (p.Pro354Ser)

Gene: ALG1 (ALG1 chitobiosyldiphosphodolichol beta-mannosyltransferase; plus strand). Cytogenetic location: 16p13.3.
Variant type: single nucleotide variant.
Coding change: c.1060C>T on transcript NM_019109.5 (MANE Select); coding-DNA position 1060, C replaced by T.
Protein change: p.Pro354Ser; replaces proline 354 with serine.
Molecular consequence: missense variant.
Genome position (GRCh38, 1-based): chr16:5,081,044, C>T. VCF-style: chr16-5081044-C-T. GRCh37 (hg19) VCF-style: chr16-5131045-C-T.
Other names: c.727C>T, p.Pro243Ser (NM_001330504.2); short protein forms P354S, P243S.
Identifiers: ClinVar variation 1413807 (VCV001413807.5), dbSNP rs983547319, ClinGen allele CA277164010.
Genomic context (GRCh38, chr16:5,081,044, plus strand): 5'-CACCAGAAGCACTTCCAGCACATCCAGGTCTGCACCCCCTGGCTGGAGGCCGAGGACTAC[C>T]CCCTGCTTCTAGGTGAGAGGCCAGCAGGAGGCTCAGGGAGGAGGCGGGGGGAACAGGGTG-3'
Protein context (NP_061982.3, residues 344-364): CTPWLEAEDY[Pro354Ser]LLLGSADLGV

ClinVar aggregate classification (germline): Uncertain significance (1 of 4 stars; one submission).

Conditions:
ALG1-congenital disorder of glycosylation. Also called: ALG1-CDG; CONGENITAL DISORDER OF GLYCOSYLATION, TYPE Ik; CDG Ik. Identifiers: Orphanet 79327, MedGen C2931005, MONDO:0012052, OMIM 608540.

Allele frequency attached by ClinVar (database versions not stated): gnomAD exomes 0.00001; TOPMed 0.00002.
gnomAD v4.1: 18 of 1,596,292 alleles (0.0011%); highest among the groups gnomAD compares: Non-Finnish European, 0.0015%; no homozygotes.

Submission:

Labcorp Genetics (formerly Invitae), Labcorp
Classification: Uncertain significance for ALG1-congenital disorder of glycosylation. Last evaluated: 2021-09-02. Review status: criteria provided, single submitter. Criteria: Invitae Variant Classification Sherloc (09022015). Collection method: clinical testing. Allele origin: germline.
Comment: This sequence change replaces proline with serine at codon 354 of the ALG1 protein (p.Pro354Ser). The proline residue is highly conserved and there is a moderate physicochemical difference between proline and serine. This variant is not present in population databases (ExAC no frequency). This variant has not been reported in the literature in individuals affected with ALG1-related conditions. Advanced modeling of protein sequence and biophysical properties (such as structural, functional, and spatial information, amino acid conservation, physicochemical variation, residue mobility, and thermodynamic stability) performed at Invitae indicates that this missense variant is expected to disrupt ALG1 protein function. In summary, the available evidence is currently insufficient to determine the role of this variant in disease. Therefore, it has been classified as a Variant of Uncertain Significance.